The following is an entry in ClinVar:

ClinVar aggregate classification (germline): Uncertain significance (1 of 4 stars; one submission).

Conditions:
Acromesomelic dysplasia 3 (AMD3). Also called: Acromesomelic dysplasia, Demirhan type; CHONDRODYSPLASIA, ACROMESOMELIC, WITH OR WITHOUT GENITAL ANOMALIES. Identifiers: MedGen C4225404, MONDO:0012274, OMIM 609441.
Type A2 brachydactyly (BDA2). Also called: BRACHYMESOPHALANGY II; MOHR-WRIEDT TYPE BRACHYDACTYLY; Brachymesophalangy type 2. Identifiers: Orphanet 93396, MedGen C1832702, MONDO:0007216, OMIM 112600, HP:0009372.

Submission:

Labcorp Genetics (formerly Invitae), Labcorp
Classification: Uncertain significance for Type A2 brachydactyly; Acromesomelic dysplasia 3. Last evaluated: 2025-09-23. Review status: criteria provided, single submitter. Criteria: Invitae Variant Classification Sherloc (09022015). Collection method: clinical testing. Allele origin: germline.
Comment: This sequence change replaces arginine, which is basic and polar, with glycine, which is neutral and non-polar, at codon 450 of the BMPR1B protein (p.Arg450Gly). This variant is not present in population databases (gnomAD no frequency). This variant has not been reported in the literature in individuals affected with BMPR1B-related conditions. Invitae Evidence Modeling of protein sequence and biophysical properties (such as structural, functional, and spatial information, amino acid conservation, physicochemical variation, residue mobility, and thermodynamic stability) indicates that this missense variant is expected to disrupt BMPR1B protein function with a positive predictive value of 80%. In summary, the available evidence is currently insufficient to determine the role of this variant in disease. Therefore, it has been classified as a Variant of Uncertain Significance.

NM_001203.3(BMPR1B):c.1348C>G (p.Arg450Gly)

Gene: BMPR1B (bone morphogenetic protein receptor type 1B; plus strand). Cytogenetic location: 4q22.3.
Variant type: single nucleotide variant.
Coding change: c.1348C>G on transcript NM_001203.3 (MANE Select); coding-DNA position 1348, C replaced by G.
Protein change: p.Arg450Gly; replaces arginine 450 with glycine.
Molecular consequence: missense variant.
Genome position (GRCh38, 1-based): chr4:95,152,738, C>G. VCF-style: chr4-95152738-C-G. GRCh37 (hg19) VCF-style: chr4-96073889-C-G.
Other names: c.1348C>G, p.Arg450Gly (NM_001256792.2, NM_001256794.1); c.1438C>G, p.Arg480Gly (NM_001256793.2); short protein forms R450G, R480G.
Identifiers: ClinVar variation 4791229 (VCV004791229.1).